The following is an entry in ClinVar:

ClinVar aggregate classification (germline): Uncertain significance. Review status: criteria provided, multiple submitters, no conflicts (2 of 4 stars). 2 submissions from 2 submitters: Uncertain significance (2). Last evaluated 2026-04-21.

Conditions:
SH2B1-related disorder. Also called: SH2B1-related condition.

Allele frequency attached by ClinVar (database versions not stated): ExAC 0.00002; gnomAD 0.00002; TOPMed 0.00002; gnomAD exomes 0.00003.
gnomAD v4.1: 43 of 1,611,276 alleles (0.0027%); highest among the groups gnomAD compares: Middle Eastern, 0.016%; no homozygotes.

Submissions (2):

PreventionGenetics, part of Exact Sciences
Classification: Uncertain significance for SH2B1-related condition. Last evaluated: 2026-04-21. Review status: criteria provided, single submitter. Criteria: ACMG Guidelines, 2015. Collection method: clinical testing. Allele origin: germline.
Comment: The SH2B1 c.563C>T variant is predicted to result in the amino acid substitution p.Ser188Leu. This variant was previously reported in the heterozygous state in one case of early-onset obesity; however, no additional evidence was provided to support pathogenicity (Aerts et al. 2015. PubMed ID: 26031769). This variant is reported in 0.0072% of alleles in individuals of European (Non-Finnish) descent in gnomAD. At this time, the clinical significance of this variant is uncertain due to the absence of conclusive functional and genetic evidence.

Labcorp Genetics (formerly Invitae), Labcorp
Classification: Uncertain significance. Last evaluated: 2024-09-30. Review status: criteria provided, single submitter. Criteria: Invitae Variant Classification Sherloc (09022015). Collection method: clinical testing. Allele origin: germline.
Comment: This sequence change replaces serine, which is neutral and polar, with leucine, which is neutral and non-polar, at codon 188 of the SH2B1 protein (p.Ser188Leu). This variant is present in population databases (rs751302305, gnomAD 0.006%). This missense change has been observed in individual(s) with SH2B1-related conditions (PMID: 26031769). ClinVar contains an entry for this variant (Variation ID: 1899206). An algorithm developed to predict the effect of missense changes on protein structure and function (PolyPhen-2) suggests that this variant is likely to be tolerated. In summary, the available evidence is currently insufficient to determine the role of this variant in disease. Therefore, it has been classified as a Variant of Uncertain Significance.

Literature cited by the submitters: PubMed 26031769 (cited by Labcorp Genetics (formerly Invitae), Labcorp).

NM_001387430.1(SH2B1):c.563C>T (p.Ser188Leu)

Gene: SH2B1 (SH2B adaptor protein 1; plus strand). Cytogenetic location: 16p11.2.
Variant type: single nucleotide variant.
Coding change: c.563C>T on transcript NM_001387430.1 (MANE Select); coding-DNA position 563, C replaced by T.
Protein change: p.Ser188Leu; replaces serine 188 with leucine.
Molecular consequence: missense variant. On other transcripts: intron variant (1).
Genome position (GRCh38, 1-based): chr16:28,866,657, C>T. VCF-style: chr16-28866657-C-T. GRCh37 (hg19) VCF-style: chr16-28877978-C-T.
Other names: c.563C>T (NM_001145795.1); c.563C>T, p.Ser188Leu (NM_001145795.2, NM_001145796.2, NM_001145797.2 and 4 more transcripts); c.-26-717C>T (NM_001308294.2); short protein forms S188L.
Identifiers: ClinVar variation 1899206 (VCV001899206.6), dbSNP rs751302305, ClinGen allele CA7985962.